The following is an entry in ClinVar:

ClinVar aggregate classification (germline): Uncertain significance. Review status: criteria provided, multiple submitters, no conflicts (2 of 4 stars). 2 submissions from 2 submitters: Uncertain significance (2). Last evaluated 2023-01-24.

gnomAD v4.1: 2 of 1,613,980 alleles (0.00012%); highest among the groups gnomAD compares: Non-Finnish European, 0.00017%; no homozygotes.

Submissions (2):

GeneDx
Classification: Uncertain significance. Last evaluated: 2023-01-24. Review status: criteria provided, single submitter. Criteria: GeneDx Variant Classification Process June 2021. Collection method: clinical testing. Allele origin: germline. Affected: yes.
Comment: Not observed at significant frequency in large population cohorts (gnomAD); In silico analysis supports that this missense variant does not alter protein structure/function; Has not been previously published as pathogenic or benign to our knowledge

CeGaT Center for Human Genetics Tuebingen
Classification: Uncertain significance. Last evaluated: 2017-06-01. Review status: criteria provided, single submitter. Criteria: CeGaT Center For Human Genetics Tuebingen Variant Classification Criteria Version 2. Collection method: clinical testing. Allele origin: germline. Affected: yes. Observed: 1 variant allele.

NM_005422.4(TECTA):c.3128A>C (p.His1043Pro)

Genes: TBCEL-TECTA (TBCEL-TECTA readthrough; plus strand), TECTA (tectorin alpha; plus strand). Cytogenetic location: 11q23.3.
Variant type: single nucleotide variant.
Coding change: c.3128A>C on transcript NM_005422.4 (MANE Select); coding-DNA position 3128, A replaced by C.
Protein change: p.His1043Pro; replaces histidine 1043 with proline.
Molecular consequence: missense variant.
Genome position (GRCh38, 1-based): chr11:121,137,607, A>C. VCF-style: chr11-121137607-A-C. GRCh37 (hg19) VCF-style: chr11-121008316-A-C.
Other names: c.4085A>C, p.His1362Pro (NM_001378761.1); short protein forms H1043P, H1362P.
Identifiers: ClinVar variation 444274 (VCV000444274.44), dbSNP rs1555125132, ClinGen allele CA383019009.